The following is an entry in ClinVar:

ClinVar aggregate classification (germline): Uncertain significance (1 of 4 stars; one submission).

gnomAD v4.1: 5 of 1,518,190 alleles (0.00033%); highest among the groups gnomAD compares: Non-Finnish European, 0.00044%; no homozygotes.

Submission:

Labcorp Genetics (formerly Invitae), Labcorp
Classification: Uncertain significance. Last evaluated: 2026-01-09. Review status: criteria provided, single submitter. Criteria: Invitae Variant Classification Sherloc (09022015). Collection method: clinical testing. Allele origin: germline.
Comment: This sequence change replaces lysine, which is basic and polar, with arginine, which is basic and polar, at codon 673 of the CUL3 protein (p.Lys673Arg). This variant is not present in population databases (gnomAD no frequency). This variant has not been reported in the literature in individuals affected with CUL3-related conditions. Invitae Evidence Modeling of protein sequence and biophysical properties (such as structural, functional, and spatial information, amino acid conservation, physicochemical variation, residue mobility, and thermodynamic stability) has been performed for this missense variant. However, the output from this modeling did not meet the statistical confidence thresholds required to predict the impact of this variant on CUL3 protein function. In summary, the available evidence is currently insufficient to determine the role of this variant in disease. Therefore, it has been classified as a Variant of Uncertain Significance.

NM_003590.5(CUL3):c.2018A>G (p.Lys673Arg)

Gene: CUL3 (cullin 3; minus strand). Cytogenetic location: 2q36.2.
Variant type: single nucleotide variant.
Coding change: c.2018A>G on transcript NM_003590.5 (MANE Select); coding-DNA position 2018, A replaced by G.
Protein change: p.Lys673Arg; replaces lysine 673 with arginine.
Molecular consequence: missense variant.
Genome position (GRCh38, 1-based): chr2:224,481,903, T>C on the plus strand (A>G on the coding strand, the complement: CUL3 is on the minus strand). VCF-style: chr2-224481903-T-C. GRCh37 (hg19) VCF-style: chr2-225346620-T-C.
Other names: c.1820A>G, p.Lys607Arg (NM_001257197.2); c.2036A>G, p.Lys679Arg (NM_001257198.2); short protein forms K607R, K679R, K673R.
Identifiers: ClinVar variation 4771653 (VCV004771653.1).